The following is an entry in ClinVar:

ClinVar aggregate classification (germline): Pathogenic (1 of 4 stars; one submission).

Submission:

Labcorp Genetics (formerly Invitae), Labcorp
Classification: Pathogenic. Last evaluated: 2021-04-10. Review status: criteria provided, single submitter. Criteria: Invitae Variant Classification Sherloc (09022015). Collection method: clinical testing. Allele origin: germline.
Comment: For these reasons, this variant has been classified as Pathogenic. This variant disrupts the C-terminus of the PCDH15 protein. Other variant(s) that disrupt this region (p.Gln1576*) have been determined to be pathogenic (PMID:28281779). This suggests that variants that disrupt this region of the protein are likely to be causative of disease. This variant has not been reported in the literature in individuals with PCDH15-related conditions. This variant is not present in population databases (ExAC no frequency). This sequence change creates a premature translational stop signal (p.Val1549Cysfs*13) in the PCDH15 gene. While this is not anticipated to result in nonsense mediated decay, it is expected to disrupt the last 407 amino acid(s) of the PCDH15 protein.

Literature cited by the submitters: PubMed 28281779.

NM_033056.4(PCDH15):c.4644dup (p.Val1549fs)

Gene: PCDH15 (protocadherin related 15; minus strand). Cytogenetic location: 10q21.1.
Variant type: Duplication.
Coding change: c.4644dup on transcript NM_033056.4 (MANE Plus Clinical); coding-DNA position 4644, one base duplicated (T; older notation c.4644dupT).
Protein change: p.Val1549fs; shifts the reading frame from valine 1549.
Molecular consequence: frameshift variant. On other transcripts: intron variant (8).
Genome position (GRCh38, 1-based): chr10:53,823,082, A duplicated on the plus strand (T on the coding strand, the reverse complement: PCDH15 is on the minus strand); the first of 4 consecutive A bases (chr10:53,823,082-53,823,085); duplicating any one gives the same sequence. VCF-style (leftmost placement, unchanged base first): chr10-53823081-C-CA. GRCh37 (hg19) VCF-style: chr10-55582841-C-CA.
Other names: c.4665dup, p.Val1556fs (NM_001142763.2); c.4650dup, p.Val1551fs (NM_001142764.2); c.4437dup, p.Val1480fs (NM_001142765.2); c.4635dup, p.Val1546fs (NM_001142766.2); c.4524dup, p.Val1509fs (NM_001142767.2); c.4584dup, p.Val1529fs (NM_001142768.2); c.4575dup, p.Val1526fs (NM_001142773.2); c.4578dup, p.Val1527fs (NM_001354404.2); and 6 more; short protein forms V1546fs, V1551fs, V1509fs, V1529fs, V1480fs, V1526fs, V1527fs, V1549fs.
Identifiers: ClinVar variation 1451861 (VCV001451861.8), dbSNP rs1564538809, ClinGen allele CA593783044.